The following is an entry in ClinVar:

ClinVar aggregate classification (germline): Conflicting classifications of pathogenicity. Review status: criteria provided, conflicting classifications (1 of 4 stars). 3 submissions from 3 submitters: Likely pathogenic (1); Uncertain significance (1). 1 of the submissions does not count toward it. Last evaluated 2022-03-29.

Conditions:
Progressive myoclonic epilepsy type 3. Also called: KCTD7-Related Progressive Myoclonic Epilepsy; EPILEPSY, PROGRESSIVE MYOCLONIC, 3, WITH OR WITHOUT INTRACELLULAR INCLUSIONS; CEROID LIPOFUSCINOSIS, NEURONAL, 14; EPILEPSY, PROGRESSIVE MYOCLONIC, 3, WITHOUT INTRACELLULAR INCLUSIONS. Identifiers: Orphanet 263516, MedGen C2673257, MONDO:0012721, OMIM 611726.

Allele frequency attached by ClinVar (database versions not stated): gnomAD 0.00001 and 0.00002; gnomAD exomes 0.00001 and 0.00002; ExAC 0.00002; TOPMed 0.00003; ESP Exome Variant Server 0.00008.
gnomAD v4.1: 20 of 1,613,918 alleles (0.0012%); highest among the groups gnomAD compares: African/African-American, 0.0053%; no homozygotes.

Submissions (3):

Labcorp Genetics (formerly Invitae), Labcorp
Classification: Uncertain significance for Progressive myoclonic epilepsy type 3. Last evaluated: 2022-03-29. Review status: criteria provided, single submitter. Criteria: Invitae Variant Classification Sherloc (09022015). Collection method: clinical testing. Allele origin: germline.
Comment: This sequence change replaces alanine, which is neutral and non-polar, with valine, which is neutral and non-polar, at codon 178 of the KCTD7 protein (p.Ala178Val). The frequency data for this variant in the population databases is considered unreliable, as metrics indicate poor data quality at this position in the gnomAD database. This missense change has been observed in individuals with clinical features of progressive myoclonic epilepsy (PMID: 30295347, 30500434, 31216804; Invitae). ClinVar contains an entry for this variant (Variation ID: 559579). Algorithms developed to predict the effect of missense changes on protein structure and function are either unavailable or do not agree on the potential impact of this missense change (SIFT: "Deleterious"; PolyPhen-2: "Benign"; Align-GVGD: "Class C55"). In summary, the available evidence is currently insufficient to determine the role of this variant in disease. Therefore, it has been classified as a Variant of Uncertain Significance.

IRCCS Fondazione Stella Maris, University of Pisa
Classification: Likely pathogenic for Progressive myoclonic epilepsy type 3. Last evaluated: 2017-07-11. Review status: criteria provided, single submitter. Criteria: Submitter's publication. Collection method: clinical testing. Allele origin: germline. Inheritance: Autosomal recessive inheritance. Affected: yes. Observed: 1 variant allele, 1 homozygote.

OMIM
Classification: Pathogenic for EPILEPSY, PROGRESSIVE MYOCLONIC, 3, WITHOUT INTRACELLULAR INCLUSIONS. Last evaluated: 2024-02-29. Review status: no assertion criteria provided. Collection method: literature only. Allele origin: germline. Not counted in ClinVar's aggregate classification.

Literature cited by the submitters: PubMed 30295347 (cited by Labcorp Genetics (formerly Invitae), Labcorp); PubMed 30500434 (cited by Labcorp Genetics (formerly Invitae), Labcorp and OMIM); PubMed 31216804 (cited by Labcorp Genetics (formerly Invitae), Labcorp).

NM_153033.5(KCTD7):c.533C>T (p.Ala178Val)

Gene: KCTD7 (potassium channel tetramerization domain containing 7; plus strand). Cytogenetic location: 7q11.21.
Variant type: single nucleotide variant.
Coding change: c.533C>T on transcript NM_153033.5 (MANE Select); coding-DNA position 533, C replaced by T.
Protein change: p.Ala178Val; replaces alanine 178 with valine.
Molecular consequence: missense variant.
Genome position (GRCh38, 1-based): chr7:66,638,895, C>T. VCF-style: chr7-66638895-C-T. GRCh37 (hg19) VCF-style: chr7-66103882-C-T.
Other names: c.533C>T, p.Ala178Val (NM_001167961.2); short protein forms A178V.
Identifiers: ClinVar variation 559579 (VCV000559579.9), dbSNP rs368001837, ClinGen allele CA4278289.